The following is an entry in ClinVar:

ClinVar aggregate classification (germline): Uncertain significance (1 of 4 stars; one submission).

Submission:

GeneDx
Classification: Uncertain significance. Last evaluated: 2025-01-02. Review status: criteria provided, single submitter. Criteria: GeneDx Variant Classification Process June 2021. Collection method: clinical testing. Allele origin: germline. Affected: yes.
Comment: Not observed at significant frequency in large population cohorts (gnomAD); In silico analysis indicates that this missense variant does not alter protein structure/function; Has not been previously published as pathogenic or benign to our knowledge

NM_007192.4(SUPT16H):c.3137G>A (p.Arg1046Lys)

Genes: SUPT16H (SPT16 homolog, facilitates chromatin remodeling subunit; minus strand), LOC126861887 (BRD4-independent group 4 enhancer GRCh37_chr14:21820143-21821342; plus strand). Cytogenetic location: 14q11.2.
Variant type: single nucleotide variant.
Coding change: c.3137G>A on transcript NM_007192.4 (MANE Select); coding-DNA position 3137, G replaced by A.
Protein change: p.Arg1046Lys; replaces arginine 1046 with lysine.
Molecular consequence: missense variant.
Genome position (GRCh38, 1-based): chr14:21,352,680, C>T on the plus strand (G>A on the coding strand, the complement: SUPT16H is on the minus strand). VCF-style: chr14-21352680-C-T. GRCh37 (hg19) VCF-style: chr14-21820839-C-T.
Other names: short protein forms R1046K.
Identifiers: ClinVar variation 4055927 (VCV004055927.1).